The following is an entry in ClinVar:

ClinVar aggregate classification (germline): Uncertain significance. Review status: criteria provided, multiple submitters, no conflicts (2 of 4 stars). 2 submissions from 2 submitters: Uncertain significance (2). Last evaluated 2024-05-14.

Conditions:
Immunodeficiency, common variable, 4. Also called: ANTIBODY DEFICIENCY DUE TO BAFFR DEFECT. Identifiers: Orphanet 1572, Orphanet 696925, MedGen C3150739, MONDO:0013284, OMIM 613494.

gnomAD v4.1: 5 of 1,613,512 alleles (0.00031%); highest among the groups gnomAD compares: East Asian, 0.011%; no homozygotes.

Submissions (2):

Ambry Genetics
Classification: Uncertain significance. Last evaluated: 2024-05-14. Review status: criteria provided, single submitter. Criteria: Ambry Variant Classification Scheme 2023. Collection method: clinical testing. Allele origin: germline.

Labcorp Genetics (formerly Invitae), Labcorp
Classification: Uncertain significance for Immunodeficiency, common variable, 4. Last evaluated: 2024-04-15. Review status: criteria provided, single submitter. Criteria: Invitae Variant Classification Sherloc (09022015). Collection method: clinical testing. Allele origin: germline.
Comment: This sequence change replaces aspartic acid, which is acidic and polar, with tyrosine, which is neutral and polar, at codon 139 of the TNFRSF13C protein (p.Asp139Tyr). This variant is present in population databases (rs773739359, gnomAD 0.02%). This variant has not been reported in the literature in individuals affected with TNFRSF13C-related conditions. An algorithm developed to predict the effect of missense changes on protein structure and function (PolyPhen-2) suggests that this variant is likely to be disruptive. Algorithms developed to predict the effect of sequence changes on RNA splicing suggest that this variant may disrupt the consensus splice site. In summary, the available evidence is currently insufficient to determine the role of this variant in disease. Therefore, it has been classified as a Variant of Uncertain Significance.

NM_052945.4(TNFRSF13C):c.415G>T (p.Asp139Tyr)

Gene: TNFRSF13C (TNF receptor superfamily member 13C; minus strand). Cytogenetic location: 22q13.2.
Variant type: single nucleotide variant.
Coding change: c.415G>T on transcript NM_052945.4 (MANE Select); coding-DNA position 415, G replaced by T.
Protein change: p.Asp139Tyr; replaces aspartic acid 139 with tyrosine.
Molecular consequence: missense variant.
Genome position (GRCh38, 1-based): chr22:41,925,507, C>A on the plus strand (G>T on the coding strand, the complement: TNFRSF13C is on the minus strand). VCF-style: chr22-41925507-C-A. GRCh37 (hg19) VCF-style: chr22-42321511-C-A.
Other names: short protein forms D139Y.
Identifiers: ClinVar variation 3327497 (VCV003327497.3).